The following is an entry in ClinVar:

NM_003070.5(SMARCA2):c.4503T>G (p.Ser1501Arg)

Gene: SMARCA2 (SWI/SNF related BAF chromatin remodeling complex subunit ATPase 2; plus strand). Cytogenetic location: 9p24.3.
Variant type: single nucleotide variant.
Coding change: c.4503T>G on transcript NM_003070.5 (MANE Select); coding-DNA position 4503, T replaced by G.
Protein change: p.Ser1501Arg; replaces serine 1501 with arginine.
Molecular consequence: missense variant.
Genome position (GRCh38, 1-based): chr9:2,186,137, T>G. VCF-style: chr9-2186137-T-G. GRCh37 (hg19) VCF-style: chr9-2186137-T-G.
Other names: c.4503T>G, p.Ser1501Arg (NM_001289396.2); c.4275T>G, p.Ser1425Arg (NM_001289397.2); c.477T>G, p.Ser159Arg (NM_001289398.2); c.561T>G, p.Ser187Arg (NM_001289399.2); c.567T>G, p.Ser189Arg (NM_001289400.2); c.4449T>G, p.Ser1483Arg (NM_139045.4); short protein forms S1425R, S1483R, S1501R, S159R, S187R, S189R.
Identifiers: ClinVar variation 3907963 (VCV003907963.2).

ClinVar aggregate classification (germline): Uncertain significance. Review status: criteria provided, multiple submitters, no conflicts (2 of 4 stars). 2 submissions from 2 submitters: Uncertain significance (2). Last evaluated 2024-12-27.

Submissions (2):

GeneDx
Classification: Uncertain significance. Last evaluated: 2024-12-27. Review status: criteria provided, single submitter. Criteria: GeneDx Variant Classification Process June 2021. Collection method: clinical testing. Allele origin: germline. Affected: yes.
Comment: Not observed at significant frequency in large population cohorts (gnomAD); In silico analysis supports that this missense variant has a deleterious effect on protein structure/function; Has not been previously published as pathogenic or benign to our knowledge

Blueprint Genetics
Classification: Uncertain significance. Last evaluated: 2021-03-25. Review status: criteria provided, single submitter. Criteria: ACMG Guidelines, 2015. Collection method: clinical testing. Allele origin: germline.